The following is an entry in ClinVar:

ClinVar aggregate classification (germline): Benign/Likely benign. Review status: criteria provided, multiple submitters, no conflicts (2 of 4 stars). 5 submissions from 5 submitters: Benign (2); Likely benign (3). Last evaluated 2025-12-17.

Conditions:
Hypercholesterolemia, autosomal dominant, type B (FHCL2). Also called: Familial Hypercholesterolemia Type B; Hyperlipoproteinemia Type IIb; Familial hypercholesterolemia 2; APOB-Related Familial Hypercholesterolemia, Autosomal Dominant; HYPERCHOLESTEROLEMIA, FAMILIAL, DUE TO LIGAND-DEFECTIVE APOLIPOPROTEIN B; APOLIPOPROTEIN B-100, FAMILIAL DEFECTIVE. Identifiers: MedGen C1704417, MONDO:0007751, OMIM 144010.
Familial hypobetalipoproteinemia 1. Also called: Hypobetalipoproteinemia, normotriglyceridemic; Acanthocytosis with hypobetalipoproteinemia; APOB-Related Familial Hypobetalipoproteinemia. Identifiers: MedGen C4551990, MONDO:0014252, OMIM 615558.
Familial hypercholesterolemia. Also called: Familial hypercholesterolemias; Familial hypercholesterolaemia. Identifiers: MedGen C0020445, MONDO:0005439.
Cardiovascular phenotype. Identifiers: MedGen CN230736.

Allele frequency attached by ClinVar (database versions not stated): gnomAD exomes 0.00005 and 0.00025; ExAC 0.00034; 1000 Genomes Project 0.00060; 1000 Genomes Project 30x 0.00062; gnomAD 0.00096 and 0.00102; TOPMed 0.00105; ESP Exome Variant Server 0.00192.
gnomAD v4.1: 225 of 1,614,036 alleles (0.014%); highest among the groups gnomAD compares: African/African-American, 0.26%; 1 homozygote.

Submissions (5):

Labcorp Genetics (formerly Invitae), Labcorp
Classification: Benign for Familial hypobetalipoproteinemia 1; Hypercholesterolemia, autosomal dominant, type B. Last evaluated: 2025-12-17. Review status: criteria provided, single submitter. Criteria: Invitae Variant Classification Sherloc (09022015). Collection method: clinical testing. Allele origin: germline.

GENinCode PLC
Classification: Likely benign for Familial hypercholesterolemia. Last evaluated: 2023-11-29. Review status: criteria provided, single submitter. Criteria: ACMG Guidelines, 2015. Collection method: clinical testing. Allele origin: germline.
Comment: This is a synonymous (silent) variant that is not predicted by SpliceAI to impact splicing. In addition, it occurs at a nucleotide that is not conserved and has a PopMax FAF which is greater than expected for this disorder. Therefore this variant has been classified as Likely Benign (BS1, BP4, BP7).

Quest Diagnostics Nichols Institute San Juan Capistrano
Classification: Benign. Last evaluated: 2023-04-13. Review status: criteria provided, single submitter. Criteria: Quest Diagnostics criteria. Collection method: clinical testing. Allele origin: unknown.

Blueprint Genetics
Classification: Likely benign. Last evaluated: 2021-11-24. Review status: criteria provided, single submitter. Criteria: ACMG Guidelines, 2015. Collection method: clinical testing. Allele origin: germline.

Ambry Genetics
Classification: Likely benign for Cardiovascular phenotype. Last evaluated: 2018-08-27. Review status: criteria provided, single submitter. Criteria: Ambry Variant Classification Scheme 2023. Collection method: clinical testing. Allele origin: germline.

NM_000384.3(APOB):c.10479G>A (p.Glu3493=)

Gene: APOB (apolipoprotein B; minus strand). Cytogenetic location: 2p24.1.
Variant type: single nucleotide variant.
Coding change: c.10479G>A on transcript NM_000384.3 (MANE Select); coding-DNA position 10479, G replaced by A.
Protein change: p.Glu3493=; no amino-acid change (glutamic acid 3493 retained).
Molecular consequence: synonymous variant.
Genome position (GRCh38, 1-based): chr2:21,006,389, C>T on the plus strand (G>A on the coding strand, the complement: APOB is on the minus strand). VCF-style: chr2-21006389-C-T. GRCh37 (hg19) VCF-style: chr2-21229261-C-T.
Identifiers: ClinVar variation 477788 (VCV000477788.20), dbSNP rs113096093, ClinGen allele CA043662.